The following is an entry in ClinVar:

ClinVar aggregate classification (germline): Uncertain significance (1 of 4 stars; one submission).

Conditions:
Multiple endocrine neoplasia type 4. Also called: MULTIPLE ENDOCRINE NEOPLASIA, TYPE IV. Identifiers: Orphanet 276152, MedGen C1970712, MONDO:0012552, OMIM 610755.

Submission:

Labcorp Genetics (formerly Invitae), Labcorp
Classification: Uncertain significance for Multiple endocrine neoplasia type 4. Last evaluated: 2024-02-15. Review status: criteria provided, single submitter. Criteria: Invitae Variant Classification Sherloc (09022015). Collection method: clinical testing. Allele origin: germline.
Comment: This sequence change results in a frameshift in the CDKN1B gene (p.Thr170Lysfs*55). While this is not anticipated to result in nonsense mediated decay, it is expected to disrupt the last 29 amino acid(s) of the CDKN1B protein and extend the protein by 25 additional amino acid residues. This variant is not present in population databases (gnomAD no frequency). This variant has not been reported in the literature in individuals affected with CDKN1B-related conditions. Experimental studies and prediction algorithms are not available or were not evaluated, and the functional significance of this variant is currently unknown. In summary, the available evidence is currently insufficient to determine the role of this variant in disease. Therefore, it has been classified as a Variant of Uncertain Significance.

NM_004064.5(CDKN1B):c.509del (p.Thr170fs)

Gene: CDKN1B (cyclin dependent kinase inhibitor 1B; plus strand). Cytogenetic location: 12p13.1.
Variant type: Deletion.
Coding change: c.509del on transcript NM_004064.5 (MANE Select); coding-DNA position 509, one base deleted (C; older notation c.509delC).
Protein change: p.Thr170fs; shifts the reading frame from threonine 170.
Molecular consequence: frameshift variant.
Genome position (GRCh38, 1-based): chr12:12,718,858, C deleted. VCF-style (leftmost placement, unchanged base first): chr12-12718857-AC-A. GRCh37 (hg19) VCF-style: chr12-12871791-AC-A.
Other names: short protein forms T170fs.
Identifiers: ClinVar variation 3641070 (VCV003641070.2).
Genomic context (GRCh38, chr12:12,718,857, plus strand): 5'-TCTTTTTAAAAATTTCCCCTGCGCTTAGATTCTTCTACTCAAAACAAAAGAGCCAACAGA[AC>A]AGAAGAAAATGTTTCAGACGGTTCCCCAAATGCCGGTTCTGTGGAGCAGACGCCCAAGAA-3'